The following is an entry in ClinVar:

ClinVar aggregate classification (germline): Uncertain significance. Review status: criteria provided, multiple submitters, no conflicts (2 of 4 stars). 3 submissions from 3 submitters: Uncertain significance (3). Last evaluated 2026-03-25.

Conditions:
Distal hereditary motor neuropathy type 2. Identifiers: Orphanet 139525, MedGen C3711384, MeSH C580044, MONDO:0015352.

Allele frequency attached by ClinVar (database versions not stated): gnomAD 0.00001; gnomAD exomes below 0.00001; ExAC 0.00001.
gnomAD v4.1: 3 of 1,613,970 alleles (0.00019%); highest among the groups gnomAD compares: Non-Finnish European, 0.00025%; no homozygotes.

Submissions (3):

GeneDx
Classification: Uncertain significance. Last evaluated: 2026-03-25. Review status: criteria provided, single submitter. Criteria: GeneDx Variant Classification Process June 2021. Collection method: clinical testing. Allele origin: germline.
Comment: Not observed at significant frequency in large population cohorts (gnomAD); In silico analysis suggests that this missense variant does not alter protein structure/function; Has not been previously published as pathogenic or benign to our knowledge

Blueprint Genetics
Classification: Uncertain significance. Last evaluated: 2022-01-17. Review status: criteria provided, single submitter. Criteria: ACMG Guidelines, 2015. Collection method: clinical testing. Allele origin: germline.

Labcorp Genetics (formerly Invitae), Labcorp
Classification: Uncertain significance for Distal hereditary motor neuropathy type 2. Last evaluated: 2021-12-11. Review status: criteria provided, single submitter. Criteria: Invitae Variant Classification Sherloc (09022015). Collection method: clinical testing. Allele origin: germline.
Comment: In summary, the available evidence is currently insufficient to determine the role of this variant in disease. Therefore, it has been classified as a Variant of Uncertain Significance. Algorithms developed to predict the effect of missense changes on protein structure and function are either unavailable or do not agree on the potential impact of this missense change (SIFT: "Deleterious"; PolyPhen-2: "Probably Damaging"; Align-GVGD: "Class C0"). ClinVar contains an entry for this variant (Variation ID: 970505). This variant has not been reported in the literature in individuals affected with FBXO38-related conditions. This variant is present in population databases (rs764932115, gnomAD 0.002%). This sequence change replaces serine, which is neutral and polar, with threonine, which is neutral and polar, at codon 330 of the FBXO38 protein (p.Ser330Thr).

NM_205836.3(FBXO38):c.988T>A (p.Ser330Thr)

Gene: FBXO38 (F-box protein 38; plus strand). Cytogenetic location: 5q32.
Variant type: single nucleotide variant.
Coding change: c.988T>A on transcript NM_205836.3 (MANE Select); coding-DNA position 988, T replaced by A.
Protein change: p.Ser330Thr; replaces serine 330 with threonine.
Molecular consequence: missense variant.
Genome position (GRCh38, 1-based): chr5:148,410,660, T>A. VCF-style: chr5-148410660-T-A. GRCh37 (hg19) VCF-style: chr5-147790223-T-A.
Other names: c.988T>A, p.Ser330Thr (NM_001271723.2, NM_030793.5); short protein forms S330T.
Identifiers: ClinVar variation 970505 (VCV000970505.11), dbSNP rs764932115, ClinGen allele CA3497175.